The following is an entry in ClinVar:

NM_007254.4(PNKP):c.713C>T (p.Ala238Val)

Gene: PNKP (polynucleotide kinase 3'-phosphatase; minus strand). Cytogenetic location: 19q13.33.
Variant type: single nucleotide variant.
Coding change: c.713C>T on transcript NM_007254.4 (MANE Select); coding-DNA position 713, C replaced by T.
Protein change: p.Ala238Val; replaces alanine 238 with valine.
Molecular consequence: missense variant.
Genome position (GRCh38, 1-based): chr19:49,863,995, G>A on the plus strand (C>T on the coding strand, the complement: PNKP is on the minus strand). VCF-style: chr19-49863995-G-A. GRCh37 (hg19) VCF-style: chr19-50367252-G-A.
Other names: p.A238V:GCT>GTT; short protein forms A238V.
Identifiers: ClinVar variation 206393 (VCV000206393.13), dbSNP rs746166841, ClinGen allele CA316466.

ClinVar aggregate classification (germline): Uncertain significance. Review status: criteria provided, multiple submitters, no conflicts (2 of 4 stars). 2 submissions from 2 submitters: Uncertain significance (2). Last evaluated 2020-04-20.

Conditions:
Developmental and epileptic encephalopathy, 12 (DEE12). Identifiers: MedGen C3150988, MONDO:0013389, OMIM 613722.

Allele frequency attached by ClinVar (database versions not stated): TOPMed below 0.00001; gnomAD 0.00001.

Submissions (2):

Labcorp Genetics (formerly Invitae), Labcorp
Classification: Uncertain significance for Developmental and epileptic encephalopathy, 12. Last evaluated: 2020-04-20. Review status: criteria provided, single submitter. Criteria: Invitae Variant Classification Sherloc (09022015). Collection method: clinical testing. Allele origin: germline.
Comment: Algorithms developed to predict the effect of missense changes on protein structure and function are either unavailable or do not agree on the potential impact of this missense change (SIFT: "Tolerated"; PolyPhen-2: "Probably Damaging"; Align-GVGD: "Class C0"). In summary, the available evidence is currently insufficient to determine the role of this variant in disease. Therefore, it has been classified as a Variant of Uncertain Significance. This variant is not present in population databases (ExAC no frequency). This sequence change replaces alanine with valine at codon 238 of the PNKP protein (p.Ala238Val). The alanine residue is highly conserved and there is a small physicochemical difference between alanine and valine. This variant has not been reported in the literature in individuals with PNKP-related conditions. ClinVar contains an entry for this variant (Variation ID: 206393).

GeneDx
Classification: Uncertain significance. Last evaluated: 2014-03-12. Review status: criteria provided, single submitter. Criteria: GeneDx Variant Classification (06012015). Collection method: clinical testing. Allele origin: germline. Affected: yes.
Comment: p.Ala238Val (GCT>GTT): c.713 C>T in exon 7 of the PNKP gene (NM_007254.2) A variant of unknown significance has been identified in the PNKP gene. The A238V variant has not been published as a mutation, nor has it been reported as a benign polymorphism to our knowledge. It was not observed in approximately 6,500 individuals of European and African American ancestry in the NHLBI Exome Sequencing Project, indicating it is not a common benign variant in these populations. The A238V variant is a conservative amino acid substitution, which is not likely to impact secondary protein structure as these residues share similar properties. This substitution occurs at a position that is conserved in mammals, but is not conserved in more distantly related species. In silico analysis is inconsistent in its predictions as to whether or not the variant is damaging to the protein structure/function. Therefore, based on the currently available information, it is unclear whether this variant is a pathogenic mutation or a rare benign variant. The variant is found in EPILEPSY panel(s).